The following is an entry in ClinVar:

NM_177400.3(NKX6-2):c.657C>G (p.Asp219Glu)

Gene: NKX6-2 (NK6 homeobox 2; minus strand). Cytogenetic location: 10q26.3.
Variant type: single nucleotide variant.
Coding change: c.657C>G on transcript NM_177400.3 (MANE Select); coding-DNA position 657, C replaced by G.
Protein change: p.Asp219Glu; replaces aspartic acid 219 with glutamic acid.
Molecular consequence: missense variant.
Genome position (GRCh38, 1-based): chr10:132,785,093, G>C on the plus strand (C>G on the coding strand, the complement: NKX6-2 is on the minus strand). VCF-style: chr10-132785093-G-C. GRCh37 (hg19) VCF-style: chr10-134598597-G-C.
Other names: short protein forms D219E.
Identifiers: ClinVar variation 1380439 (VCV001380439.8), dbSNP rs142771323, ClinGen allele CA5756026.
Genomic context (GRCh38, chr10:132,785,093, plus strand): 5'-GTTGTATTCGTCGTCGTCCTCCGCGTCCGAGCCGCCCACCTTCAGCTTCTCGGCGTCCGA[G>C]TCCTGCTTCTTCTTGGCCGACGCCATCTCCACCGCGTGCCGCTTGCGCCACTTGGTCCGG-3'
Protein context (NP_796374.2, residues 209-229): VEMASAKKKQ[Asp219Glu]SDAEKLKVGG

ClinVar aggregate classification (germline): Uncertain significance (1 of 4 stars; one submission).

Allele frequency attached by ClinVar (database versions not stated): gnomAD exomes 0.00003 and 0.00004; ExAC 0.00008; ESP Exome Variant Server 0.00023.

Submission:

Labcorp Genetics (formerly Invitae), Labcorp
Classification: Uncertain significance. Last evaluated: 2024-10-29. Review status: criteria provided, single submitter. Criteria: Invitae Variant Classification Sherloc (09022015). Collection method: clinical testing. Allele origin: germline.
Comment: This sequence change replaces aspartic acid, which is acidic and polar, with glutamic acid, which is acidic and polar, at codon 219 of the NKX6-2 protein (p.Asp219Glu). This variant is present in population databases (rs142771323, gnomAD 0.009%). This variant has not been reported in the literature in individuals affected with NKX6-2-related conditions. ClinVar contains an entry for this variant (Variation ID: 1380439). Invitae Evidence Modeling of protein sequence and biophysical properties (such as structural, functional, and spatial information, amino acid conservation, physicochemical variation, residue mobility, and thermodynamic stability) indicates that this missense variant is not expected to disrupt NKX6-2 protein function with a negative predictive value of 80%. In summary, the available evidence is currently insufficient to determine the role of this variant in disease. Therefore, it has been classified as a Variant of Uncertain Significance.